The following is an entry in ClinVar:

NM_016123.4(IRAK4):c.717-1G>T

Gene: IRAK4 (interleukin 1 receptor associated kinase 4; plus strand). Cytogenetic location: 12q12.
Variant type: single nucleotide variant.
Coding change: c.717-1G>T on transcript NM_016123.4 (MANE Select); the canonical splice acceptor site of the intron before coding-DNA position 717, G replaced by T.
Molecular consequence: splice acceptor variant.
Genome position (GRCh38, 1-based): chr12:43,777,629, G>T. VCF-style: chr12-43777629-G-T. GRCh37 (hg19) VCF-style: chr12-44171432-G-T.
Other names: c.345-1G>T (NM_001351338.2, NM_001351341.2, NM_001351339.2 and 5 more transcripts); c.717-1G>T (NM_001351345.2, NM_001114182.3); c.108-1G>T (NM_001351343.2, NM_001351344.2).
Identifiers: ClinVar variation 464935 (VCV000464935.7), dbSNP rs1555169270, ClinGen allele CA384474027.

ClinVar aggregate classification (germline): Likely pathogenic (1 of 4 stars; one submission).

Conditions:
Immunodeficiency 67. Also called: Immunodeficiency due to interleukin-1 receptor-associated kinase-4 deficiency. Identifiers: Orphanet 70592, MedGen C1843256, MONDO:0011888, OMIM 607676.

gnomAD v4.1: 8 of 1,601,546 alleles (0.0005%); highest among the groups gnomAD compares: Non-Finnish European, 0.00068%; no homozygotes.

Submission:

Labcorp Genetics (formerly Invitae), Labcorp
Classification: Likely pathogenic for Immunodeficiency 67. Last evaluated: 2025-12-10. Review status: criteria provided, single submitter. Criteria: Invitae Variant Classification Sherloc (09022015). Collection method: clinical testing. Allele origin: germline.
Comment: This sequence change affects an acceptor splice site in intron 6 of the IRAK4 gene. It is expected to disrupt RNA splicing. Variants that disrupt the donor or acceptor splice site typically lead to a loss of protein function (PMID: 16199547), and loss-of-function variants in IRAK4 are known to be pathogenic (PMID: 17893200, 21057262). This variant is not present in population databases (gnomAD no frequency). This variant has not been reported in the literature in individuals affected with IRAK4-related conditions. ClinVar contains an entry for this variant (Variation ID: 464935). Algorithms developed to predict the effect of sequence changes on RNA splicing suggest that this variant may disrupt the consensus splice site. In summary, the currently available evidence indicates that the variant is pathogenic, but additional data are needed to prove that conclusively. Therefore, this variant has been classified as Likely Pathogenic.

Literature cited by the submitters: PubMed 16199547; PubMed 17893200; PubMed 21057262.